The following is an entry in ClinVar:

ClinVar aggregate classification (germline): Uncertain significance (1 of 4 stars; one submission).

Conditions:
Alstrom syndrome (ALMS). Identifiers: Orphanet 64, MedGen C0268425, MONDO:0008763, OMIM 203800.

Allele frequency attached by ClinVar (database versions not stated): TOPMed below 0.00001.

Submission:

Labcorp Genetics (formerly Invitae), Labcorp
Classification: Uncertain significance for Alstrom syndrome. Last evaluated: 2022-03-27. Review status: criteria provided, single submitter. Criteria: Invitae Variant Classification Sherloc (09022015). Collection method: clinical testing. Allele origin: germline.
Comment: This sequence change replaces valine, which is neutral and non-polar, with isoleucine, which is neutral and non-polar, at codon 1802 of the ALMS1 protein (p.Val1802Ile). This variant is not present in population databases (gnomAD no frequency). This variant has not been reported in the literature in individuals affected with ALMS1-related conditions. Experimental studies and prediction algorithms are not available or were not evaluated, and the functional significance of this variant is currently unknown. In summary, the available evidence is currently insufficient to determine the role of this variant in disease. Therefore, it has been classified as a Variant of Uncertain Significance.

NM_001378454.1(ALMS1):c.5401G>A (p.Val1801Ile)

Gene: ALMS1 (ALMS1 centrosome and basal body associated protein; plus strand). Cytogenetic location: 2p13.1.
Variant type: single nucleotide variant.
Coding change: c.5401G>A on transcript NM_001378454.1 (MANE Select); coding-DNA position 5401, G replaced by A.
Protein change: p.Val1801Ile; replaces valine 1801 with isoleucine.
Molecular consequence: missense variant.
Genome position (GRCh38, 1-based): chr2:73,451,928, G>A. VCF-style: chr2-73451928-G-A. GRCh37 (hg19) VCF-style: chr2-73679055-G-A.
Other names: c.5404G>A, p.Val1802Ile (NM_015120.4); short protein forms V1801I, V1802I.
Identifiers: ClinVar variation 1911542 (VCV001911542.2), dbSNP rs764862037, ClinGen allele CA347281965.